The following is an entry in ClinVar:

NM_000334.4(SCN4A):c.3955_3956delinsAT (p.Tyr1319Ile)

Genes: GH-LCR (growth hormone locus control region; plus strand), SCN4A (sodium voltage-gated channel alpha subunit 4; minus strand). Cytogenetic location: 17q23.3.
Variant type: Indel.
Coding change: c.3955_3956delinsAT on transcript NM_000334.4 (MANE Select); coding-DNA positions 3955 to 3956, TA replaced by AT.
Protein change: p.Tyr1319Ile; replaces tyrosine 1319 with isoleucine.
Molecular consequence: missense variant.
Genome position (GRCh38, 1-based): chr17:63,943,807-63,943,808, TA replaced by AT on the plus strand (TA replaced by AT on the coding strand, the reverse complement: SCN4A is on the minus strand). VCF-style: chr17-63943807-TA-AT. GRCh37 (hg19) VCF-style: chr17-62021167-TA-AT.
Other names: short protein forms Y1319I.
Identifiers: ClinVar variation 835936 (VCV000835936.10), dbSNP rs1908624669, ClinGen allele CA916083620.

ClinVar aggregate classification (germline): Uncertain significance (1 of 4 stars; one submission).

Conditions:
Hyperkalemic periodic paralysis. Also called: Familial hyperkalemic periodic paralysis; Gamstorp disease. Identifiers: Orphanet 682, MedGen C0238357, MONDO:0008224, OMIM 170500, HP:0007215.

Submission:

Labcorp Genetics (formerly Invitae), Labcorp
Classification: Uncertain significance for Hyperkalemic periodic paralysis. Last evaluated: 2022-02-10. Review status: criteria provided, single submitter. Criteria: Invitae Variant Classification Sherloc (09022015). Collection method: clinical testing. Allele origin: germline.
Comment: In summary, the available evidence is currently insufficient to determine the role of this variant in disease. Therefore, it has been classified as a Variant of Uncertain Significance. Algorithms developed to predict the effect of missense changes on protein structure and function are either unavailable or do not agree on the potential impact of this missense change (SIFT: "Not Available"; PolyPhen-2: "Probably Damaging"; Align-GVGD: "Not Available"). ClinVar contains an entry for this variant (Variation ID: 835936). This variant has not been reported in the literature in individuals affected with SCN4A-related conditions. Information on the frequency of this variant in the gnomAD database is not available, as this variant may be reported differently in the database. This sequence change replaces tyrosine, which is neutral and polar, with isoleucine, which is neutral and non-polar, at codon 1319 of the SCN4A protein (p.Tyr1319Ile).